The following is an entry in ClinVar:

ClinVar aggregate classification (germline): Likely benign. Review status: criteria provided, single submitter (1 of 4 stars). 2 submissions from 2 submitters: Likely benign (1). 1 of the submissions does not count toward it. Last evaluated 2023-06-06.

Conditions:
FAT2-related disorder. Also called: FAT2-related condition.

Allele frequency attached by ClinVar (database versions not stated): gnomAD 0.00005; TOPMed 0.00006.
gnomAD v4.1: 174 of 1,614,138 alleles (0.011%); highest among the groups gnomAD compares: South Asian, 0.14%; 6 homozygotes.

Submissions (2):

Labcorp Genetics (formerly Invitae), Labcorp
Classification: Likely benign. Last evaluated: 2023-06-06. Review status: criteria provided, single submitter. Criteria: Invitae Variant Classification Sherloc (09022015). Collection method: clinical testing. Allele origin: germline.

PreventionGenetics, part of Exact Sciences
Classification: Likely benign for FAT2-related condition. Last evaluated: 2019-05-24. Review status: no assertion criteria provided. Collection method: clinical testing. Allele origin: germline. Not counted in ClinVar's aggregate classification.
Comment: This variant is classified as likely benign based on ACMG/AMP sequence variant interpretation guidelines (Richards et al. 2015 PMID: 25741868, with internal and published modifications).

NM_001447.3(FAT2):c.4983A>G (p.Ser1661=)

Genes: FAT2 (FAT atypical cadherin 2; minus strand), SLC36A1 (solute carrier family 36 member 1; plus strand). Cytogenetic location: 5q33.1.
Variant type: single nucleotide variant.
Coding change: c.4983A>G on transcript NM_001447.3 (MANE Select); coding-DNA position 4983, A replaced by G.
Protein change: p.Ser1661=; no amino-acid change (serine 1661 retained).
Molecular consequence: synonymous variant.
Genome position (GRCh38, 1-based): chr5:151,546,144, T>C on the plus strand (A>G on the coding strand, the complement: FAT2 is on the minus strand). VCF-style: chr5-151546144-T-C. GRCh37 (hg19) VCF-style: chr5-150925705-T-C.
Other names: c.4983A>G (NM_001447.2).
Identifiers: ClinVar variation 2906997 (VCV002906997.5), dbSNP rs751419697, ClinGen allele CA3521395.